The following is an entry in ClinVar:

NM_000037.4(ANK1):c.925A>G (p.Ile309Val)

Gene: ANK1 (ankyrin 1; minus strand). Cytogenetic location: 8p11.21.
Variant type: single nucleotide variant.
Coding change: c.925A>G on transcript NM_000037.4 (MANE Select); coding-DNA position 925, A replaced by G.
Protein change: p.Ile309Val; replaces isoleucine 309 with valine.
Molecular consequence: missense variant.
Genome position (GRCh38, 1-based): chr8:41,719,843, T>C on the plus strand (A>G on the coding strand, the complement: ANK1 is on the minus strand). VCF-style: chr8-41719843-T-C. GRCh37 (hg19) VCF-style: chr8-41577361-T-C.
Other names: c.1024A>G, p.Ile342Val (NM_001142446.2); c.925A>G, p.Ile309Val (NM_020475.3, NM_020476.3, NM_020477.3); short protein forms I309V, I342V.
Identifiers: ClinVar variation 2887935 (VCV002887935.3), dbSNP rs754404246, ClinGen allele CA4728787.

ClinVar aggregate classification (germline): Uncertain significance (1 of 4 stars; one submission).

Allele frequency attached by ClinVar (database versions not stated): gnomAD 0.00003; gnomAD exomes 0.00003; ExAC 0.00005.
gnomAD v4.1: 56 of 1,614,070 alleles (0.0035%); highest among the groups gnomAD compares: East Asian, 0.016%; no homozygotes.

Submission:

Labcorp Genetics (formerly Invitae), Labcorp
Classification: Uncertain significance. Last evaluated: 2023-01-15. Review status: criteria provided, single submitter. Criteria: Invitae Variant Classification Sherloc (09022015). Collection method: clinical testing. Allele origin: germline.
Comment: This sequence change replaces isoleucine, which is neutral and non-polar, with valine, which is neutral and non-polar, at codon 309 of the ANK1 protein (p.Ile309Val). In summary, the available evidence is currently insufficient to determine the role of this variant in disease. Therefore, it has been classified as a Variant of Uncertain Significance. Advanced modeling of protein sequence and biophysical properties (such as structural, functional, and spatial information, amino acid conservation, physicochemical variation, residue mobility, and thermodynamic stability) performed at Invitae indicates that this missense variant is not expected to disrupt ANK1 protein function. This variant has not been reported in the literature in individuals affected with ANK1-related conditions. This variant is present in population databases (rs754404246, gnomAD 0.03%).